The following is an entry in ClinVar:

ClinVar aggregate classification (germline): Uncertain significance. Review status: criteria provided, multiple submitters, no conflicts (2 of 4 stars). 2 submissions from 2 submitters: Uncertain significance (2). Last evaluated 2025-06-12.

Allele frequency attached by ClinVar (database versions not stated): TOPMed 0.00002; ExAC 0.00004; gnomAD 0.00004.
gnomAD v4.1: 19 of 1,614,090 alleles (0.0012%); highest among the groups gnomAD compares: African/African-American, 0.0067%; no homozygotes.

Submissions (2):

Labcorp Genetics (formerly Invitae), Labcorp
Classification: Uncertain significance. Last evaluated: 2025-06-12. Review status: criteria provided, single submitter. Criteria: Invitae Variant Classification Sherloc (09022015). Collection method: clinical testing. Allele origin: germline.
Comment: This sequence change replaces valine, which is neutral and non-polar, with methionine, which is neutral and non-polar, at codon 222 of the MCM5 protein (p.Val222Met). This variant is present in population databases (rs761515212, gnomAD 0.02%). This variant has not been reported in the literature in individuals affected with MCM5-related conditions. ClinVar contains an entry for this variant (Variation ID: 2177779). Invitae Evidence Modeling of protein sequence and biophysical properties (such as structural, functional, and spatial information, amino acid conservation, physicochemical variation, residue mobility, and thermodynamic stability) indicates that this missense variant is not expected to disrupt MCM5 protein function with a negative predictive value of 80%. In summary, the available evidence is currently insufficient to determine the role of this variant in disease. Therefore, it has been classified as a Variant of Uncertain Significance.

Ambry Genetics
Classification: Uncertain significance. Last evaluated: 2024-09-20. Review status: criteria provided, single submitter. Criteria: Ambry Variant Classification Scheme 2023. Collection method: clinical testing. Allele origin: germline.

NM_006739.4(MCM5):c.664G>A (p.Val222Met)

Gene: MCM5 (minichromosome maintenance complex component 5; plus strand). Cytogenetic location: 22q12.3.
Variant type: single nucleotide variant.
Coding change: c.664G>A on transcript NM_006739.4 (MANE Select); coding-DNA position 664, G replaced by A.
Protein change: p.Val222Met; replaces valine 222 with methionine.
Molecular consequence: missense variant.
Genome position (GRCh38, 1-based): chr22:35,408,475, G>A. VCF-style: chr22-35408475-G-A. GRCh37 (hg19) VCF-style: chr22-35804468-G-A.
Other names: c.664G>A (NM_006739.3); short protein forms V222M.
Identifiers: ClinVar variation 2177779 (VCV002177779.5), dbSNP rs761515212, ClinGen allele CA10205107.